The following is an entry in ClinVar:

NM_000021.4(PSEN1):c.691G>T (p.Ala231Ser)

Gene: PSEN1 (presenilin 1; plus strand). Cytogenetic location: 14q24.2.
Variant type: single nucleotide variant.
Coding change: c.691G>T on transcript NM_000021.4 (MANE Select); coding-DNA position 691, G replaced by T.
Protein change: p.Ala231Ser; replaces alanine 231 with serine.
Molecular consequence: missense variant.
Genome position (GRCh38, 1-based): chr14:73,192,786, G>T. VCF-style: chr14-73192786-G-T. GRCh37 (hg19) VCF-style: chr14-73659494-G-T.
Other names: c.679G>T, p.Ala227Ser (NM_007318.3); short protein forms A227S, A231S.
Identifiers: ClinVar variation 2632857 (VCV002632857.1), dbSNP rs63749836, ClinGen allele CA390299681.

ClinVar aggregate classification (germline): Uncertain significance (1 of 4 stars; one submission).

Conditions:
PSEN1-related disorder. Also called: PSEN1-related condition.

Submission:

PreventionGenetics, part of Exact Sciences
Classification: Uncertain significance for PSEN1-related condition. Last evaluated: 2023-04-24. Review status: criteria provided, single submitter. Criteria: ACMG Guidelines, 2015. Collection method: clinical testing. Allele origin: germline.
Comment: The PSEN1 c.691G>T variant is predicted to result in the amino acid substitution p.Ala231Ser. To our knowledge, this variant has not been reported in the literature or in a large population database, indicating this variant is rare. Other missense changes at the same amino acid position, c.691G>A (Ala231Thr) and c.692C>T (Ala231Val) have previously been reported to be causative for Alzheimer's Disease (Campion et al 1995. PubMed ID: 8634712; Cruts et al 1998. PubMed ID: 9384602). Although we suspect that this variant may be pathogenic, at this time, the clinical significance of this variant is uncertain due to the absence of conclusive functional and genetic evidence.